The following is an entry in ClinVar:

ClinVar aggregate classification (germline): Uncertain significance. Review status: criteria provided, multiple submitters, no conflicts (2 of 4 stars). 3 submissions from 3 submitters: Uncertain significance (3). Last evaluated 2024-12-07.

Conditions:
Inborn genetic diseases. Identifiers: MedGen C0950123, MeSH D030342.

Allele frequency attached by ClinVar (database versions not stated): gnomAD 0.00001.

Submissions (3):

Ambry Genetics
Classification: Uncertain significance for Inborn genetic diseases. Last evaluated: 2024-12-07. Review status: criteria provided, single submitter. Criteria: Ambry Variant Classification Scheme 2023. Collection method: clinical testing. Allele origin: germline.

Blueprint Genetics
Classification: Uncertain significance. Last evaluated: 2022-11-30. Review status: criteria provided, single submitter. Criteria: ACMG Guidelines, 2015. Collection method: clinical testing. Allele origin: germline.

Labcorp Genetics (formerly Invitae), Labcorp
Classification: Uncertain significance. Last evaluated: 2022-04-17. Review status: criteria provided, single submitter. Criteria: Invitae Variant Classification Sherloc (09022015). Collection method: clinical testing. Allele origin: germline.
Comment: This sequence change replaces asparagine, which is neutral and polar, with histidine, which is basic and polar, at codon 2658 of the CDH23 protein (p.Asn2658His). This variant is present in population databases (no rsID available, gnomAD 0.006%). This variant has not been reported in the literature in individuals affected with CDH23-related conditions. Algorithms developed to predict the effect of missense changes on protein structure and function are either unavailable or do not agree on the potential impact of this missense change (SIFT: "Deleterious"; PolyPhen-2: "Not Available"; Align-GVGD: "Class C0"). In summary, the available evidence is currently insufficient to determine the role of this variant in disease. Therefore, it has been classified as a Variant of Uncertain Significance.

NM_022124.6(CDH23):c.7972A>C (p.Asn2658His)

Genes: CDH23 (cadherin related 23; plus strand), LOC111982869 (Sharpr-MPRA regulatory region 2121; plus strand). Cytogenetic location: 10q22.1.
Variant type: single nucleotide variant.
Coding change: c.7972A>C on transcript NM_022124.6 (MANE Select); coding-DNA position 7972, A replaced by C.
Protein change: p.Asn2658His; replaces asparagine 2658 with histidine.
Molecular consequence: missense variant.
Genome position (GRCh38, 1-based): chr10:71,805,905, A>C. VCF-style: chr10-71805905-A-C. GRCh37 (hg19) VCF-style: chr10-73565662-A-C.
Other names: c.1252A>C, p.Asn418His (NM_001171933.1, NM_001171934.1); short protein forms N2658H, N418H.
Identifiers: ClinVar variation 2070558 (VCV002070558.4), dbSNP rs1319262573, ClinGen allele CA377162067.